The following is an entry in ClinVar:

ClinVar aggregate classification (germline): Pathogenic (1 of 4 stars; one submission).

Conditions:
Treacher Collins syndrome 1 (TCS1). Also called: TCOF1-Related Treacher Collins Syndrome. Identifiers: Orphanet 861, MedGen CN315775, MONDO:0007944, OMIM 154500.

Submission:

Labcorp Genetics (formerly Invitae), Labcorp
Classification: Pathogenic for Treacher Collins syndrome 1. Last evaluated: 2025-12-13. Review status: criteria provided, single submitter. Criteria: Invitae Variant Classification Sherloc (09022015). Collection method: clinical testing. Allele origin: germline.
Comment: This sequence change creates a premature translational stop signal (p.Ser535*) in the TCOF1 gene. It is expected to result in an absent or disrupted protein product. Loss-of-function variants in TCOF1 are known to be pathogenic (PMID: 8894686, 22317976). This variant is not present in population databases (gnomAD no frequency). This variant has not been reported in the literature in individuals affected with TCOF1-related conditions. For these reasons, this variant has been classified as Pathogenic.

Literature cited by the submitters: PubMed 8894686; PubMed 22317976.

NM_001371623.1(TCOF1):c.1604C>G (p.Ser535Ter)

Gene: TCOF1 (treacle ribosome biogenesis factor 1; plus strand). Cytogenetic location: 5q32.
Variant type: single nucleotide variant.
Coding change: c.1604C>G on transcript NM_001371623.1 (MANE Select); coding-DNA position 1604, C replaced by G.
Protein change: p.Ser535Ter; replaces serine 535 with a stop codon.
Molecular consequence: nonsense.
Genome position (GRCh38, 1-based): chr5:150,375,454, C>G. VCF-style: chr5-150375454-C-G. GRCh37 (hg19) VCF-style: chr5-149755017-C-G.
Other names: c.1373C>G, p.Ser458Ter (NM_000356.4, NM_001135245.2, NM_001437406.1); c.1604C>G, p.Ser535Ter (NM_001008657.3, NM_001135243.2, NM_001135244.2 and 1 more transcripts); short protein forms S535*, S458*.
Identifiers: ClinVar variation 4733149 (VCV004733149.1).